The following is an entry in ClinVar:

NM_014014.5(SNRNP200):c.5654A>G (p.Asn1885Ser)

Gene: SNRNP200 (small nuclear ribonucleoprotein U5 subunit 200; minus strand). Cytogenetic location: 2q11.2.
Variant type: single nucleotide variant.
Coding change: c.5654A>G on transcript NM_014014.5 (MANE Select); coding-DNA position 5654, A replaced by G.
Protein change: p.Asn1885Ser; replaces asparagine 1885 with serine.
Molecular consequence: missense variant.
Genome position (GRCh38, 1-based): chr2:96,277,907, T>C on the plus strand (A>G on the coding strand, the complement: SNRNP200 is on the minus strand). VCF-style: chr2-96277907-T-C. GRCh37 (hg19) VCF-style: chr2-96943645-T-C.
Other names: short protein forms N1885S.
Identifiers: ClinVar variation 813241 (VCV000813241.6), dbSNP rs1295558388, ClinGen allele CA347658697.

ClinVar aggregate classification (germline): Conflicting classifications of pathogenicity. Review status: criteria provided, conflicting classifications (1 of 4 stars). 2 submissions from 2 submitters: Pathogenic (1); Uncertain significance (1). Last evaluated 2022-10-16.

Conditions:
Retinitis pigmentosa (RP). Identifiers: Orphanet 791, MedGen C0035334, MeSH D012174, MONDO:0019200, OMIM 268000. Inheritance: Autosomal dominant, autosomal recessive and X linked inheritance.

Allele frequency attached by ClinVar (database versions not stated): gnomAD exomes below 0.00001 and 0.00001.
gnomAD v4.1: 13 of 1,614,226 alleles (0.00081%); highest among the groups gnomAD compares: Non-Finnish European, 0.00093%; no homozygotes.

Submissions (2):

Labcorp Genetics (formerly Invitae), Labcorp
Classification: Uncertain significance. Last evaluated: 2022-10-16. Review status: criteria provided, single submitter. Criteria: Invitae Variant Classification Sherloc (09022015). Collection method: clinical testing. Allele origin: germline.
Comment: In summary, the available evidence is currently insufficient to determine the role of this variant in disease. Therefore, it has been classified as a Variant of Uncertain Significance. Advanced modeling of protein sequence and biophysical properties (such as structural, functional, and spatial information, amino acid conservation, physicochemical variation, residue mobility, and thermodynamic stability) performed at Invitae indicates that this missense variant is not expected to disrupt SNRNP200 protein function. ClinVar contains an entry for this variant (Variation ID: 813241). This variant has not been reported in the literature in individuals affected with SNRNP200-related conditions. This variant is present in population databases (no rsID available, gnomAD 0.0009%). This sequence change replaces asparagine, which is neutral and polar, with serine, which is neutral and polar, at codon 1885 of the SNRNP200 protein (p.Asn1885Ser).

Molecular Genetics Laboratory, Institute for Ophthalmic Research
Classification: Pathogenic for Retinitis pigmentosa. Last evaluated: 2020-01-09. Review status: criteria provided, single submitter. Criteria: ACMG Guidelines, 2015. Collection method: research. Allele origin: germline. Affected: yes.